The following is an entry in ClinVar:

ClinVar aggregate classification (germline): Uncertain significance. Review status: criteria provided, multiple submitters, no conflicts (2 of 4 stars). 2 submissions from 2 submitters: Uncertain significance (2). Last evaluated 2024-03-06.

Submissions (2):

Labcorp Genetics (formerly Invitae), Labcorp
Classification: Uncertain significance. Last evaluated: 2024-03-06. Review status: criteria provided, single submitter. Criteria: Invitae Variant Classification Sherloc (09022015). Collection method: clinical testing. Allele origin: germline.
Comment: This sequence change replaces serine, which is neutral and polar, with asparagine, which is neutral and polar, at codon 582 of the RFX6 protein (p.Ser582Asn). This variant is not present in population databases (gnomAD no frequency). This variant has not been reported in the literature in individuals affected with RFX6-related conditions. ClinVar contains an entry for this variant (Variation ID: 1700425). Advanced modeling of protein sequence and biophysical properties (such as structural, functional, and spatial information, amino acid conservation, physicochemical variation, residue mobility, and thermodynamic stability) performed at Invitae indicates that this missense variant is not expected to disrupt RFX6 protein function with a negative predictive value of 80%. In summary, the available evidence is currently insufficient to determine the role of this variant in disease. Therefore, it has been classified as a Variant of Uncertain Significance.

GeneDx
Classification: Uncertain significance. Last evaluated: 2022-02-08. Review status: criteria provided, single submitter. Criteria: GeneDx Variant Classification Process June 2021. Collection method: clinical testing. Allele origin: germline. Affected: yes.
Comment: Not observed at significant frequency in large population cohorts (gnomAD); In silico analysis supports that this missense variant does not alter protein structure/function; Has not been previously published as pathogenic or benign to our knowledge

NM_173560.4(RFX6):c.1745G>A (p.Ser582Asn)

Genes: RFX6 (regulatory factor X6; plus strand), LOC126859771 (BRD4-independent group 4 enhancer GRCh37_chr6:117246147-117247346; plus strand). Cytogenetic location: 6q22.1.
Variant type: single nucleotide variant.
Coding change: c.1745G>A on transcript NM_173560.4 (MANE Select); coding-DNA position 1745, G replaced by A.
Protein change: p.Ser582Asn; replaces serine 582 with asparagine.
Molecular consequence: missense variant.
Genome position (GRCh38, 1-based): chr6:116,925,519, G>A. VCF-style: chr6-116925519-G-A. GRCh37 (hg19) VCF-style: chr6-117246682-G-A.
Other names: short protein forms S582N.
Identifiers: ClinVar variation 1700425 (VCV001700425.4), dbSNP rs2114702156, ClinGen allele CA365434686.